The following is an entry in ClinVar:

ClinVar aggregate classification (germline): Uncertain significance. Review status: criteria provided, multiple submitters, no conflicts (2 of 4 stars). 2 submissions from 2 submitters: Uncertain significance (2). Last evaluated 2024-02-12.

Allele frequency attached by ClinVar (database versions not stated): ExAC 0.00002.

Submissions (2):

Labcorp Genetics (formerly Invitae), Labcorp
Classification: Uncertain significance. Last evaluated: 2024-02-12. Review status: criteria provided, single submitter. Criteria: Invitae Variant Classification Sherloc (09022015). Collection method: clinical testing. Allele origin: germline.
Comment: This sequence change replaces alanine, which is neutral and non-polar, with valine, which is neutral and non-polar, at codon 95 of the COL4A2 protein (p.Ala95Val). This variant is present in population databases (rs754829210, gnomAD 0.01%). This variant has not been reported in the literature in individuals affected with COL4A2-related conditions. ClinVar contains an entry for this variant (Variation ID: 1316909). Advanced modeling of protein sequence and biophysical properties (such as structural, functional, and spatial information, amino acid conservation, physicochemical variation, residue mobility, and thermodynamic stability) performed at Invitae indicates that this missense variant is not expected to disrupt COL4A2 protein function with a negative predictive value of 95%. In summary, the available evidence is currently insufficient to determine the role of this variant in disease. Therefore, it has been classified as a Variant of Uncertain Significance.

GeneDx
Classification: Uncertain significance. Last evaluated: 2019-04-05. Review status: criteria provided, single submitter. Criteria: GeneDx Variant Classification Process June 2021. Collection method: clinical testing. Allele origin: germline. Affected: yes.
Comment: In silico analysis, which includes protein predictors and evolutionary conservation, supports that this variant does not alter protein structure/function; Has not been previously published as pathogenic or benign to our knowledge

NM_001846.4(COL4A2):c.284C>T (p.Ala95Val)

Gene: COL4A2 (collagen type IV alpha 2 chain; plus strand). Cytogenetic location: 13q34.
Variant type: single nucleotide variant.
Coding change: c.284C>T on transcript NM_001846.4 (MANE Select); coding-DNA position 284, C replaced by T.
Protein change: p.Ala95Val; replaces alanine 95 with valine.
Molecular consequence: missense variant.
Genome position (GRCh38, 1-based): chr13:110,424,837, C>T. VCF-style: chr13-110424837-C-T. GRCh37 (hg19) VCF-style: chr13-111077184-C-T.
Other names: short protein forms A95V.
Identifiers: ClinVar variation 1316909 (VCV001316909.4), dbSNP rs754829210, ClinGen allele CA7048819.